The following is an entry in ClinVar:

NM_000094.4(COL7A1):c.1608G>C (p.Gln536His)

Gene: COL7A1 (collagen type VII alpha 1 chain; minus strand). Cytogenetic location: 3p21.31.
Variant type: single nucleotide variant.
Coding change: c.1608G>C on transcript NM_000094.4 (MANE Select); coding-DNA position 1608, G replaced by C.
Protein change: p.Gln536His; replaces glutamine 536 with histidine.
Molecular consequence: missense variant.
Genome position (GRCh38, 1-based): chr3:48,591,492, C>G on the plus strand (G>C on the coding strand, the complement: COL7A1 is on the minus strand). VCF-style: chr3-48591492-C-G. GRCh37 (hg19) VCF-style: chr3-48628925-C-G.
Other names: c.1608G>C (NM_000094.3); short protein forms Q536H.
Identifiers: ClinVar variation 1421230 (VCV001421230.7), dbSNP rs2107786870, ClinGen allele CA352732683.

ClinVar aggregate classification (germline): Uncertain significance. Review status: criteria provided, multiple submitters, no conflicts (2 of 4 stars). 3 submissions from 3 submitters: Uncertain significance (2). 1 of the submissions does not count toward it. Last evaluated 2023-07-31.

Conditions:
Epidermolysis bullosa dystrophica. Also called: Dystrophic epidermolysis bullosa, Hallopeau-Siemens type (formerly); Dystrophic epidermolysis bullosa. Identifiers: Orphanet 303, MedGen C0079294, MONDO:0006543.
Inborn genetic diseases. Identifiers: MedGen C0950123, MeSH D030342.

Allele frequency attached by ClinVar (database versions not stated): gnomAD exomes below 0.00001.
gnomAD v4.1: 1 of 1,614,034 alleles (0.000062%); highest among the groups gnomAD compares: Admixed American, 0.0017%; no homozygotes.

Submissions (3):

Ambry Genetics
Classification: Uncertain significance for Inborn genetic diseases. Last evaluated: 2023-07-31. Review status: criteria provided, single submitter. Criteria: Ambry Variant Classification Scheme 2023. Collection method: clinical testing. Allele origin: germline.

Labcorp Genetics (formerly Invitae), Labcorp
Classification: Uncertain significance. Last evaluated: 2022-02-03. Review status: criteria provided, single submitter. Criteria: Invitae Variant Classification Sherloc (09022015). Collection method: clinical testing. Allele origin: germline.
Comment: This sequence change replaces glutamine, which is neutral and polar, with histidine, which is basic and polar, at codon 536 of the COL7A1 protein (p.Gln536His). This variant is not present in population databases (gnomAD no frequency). This variant has not been reported in the literature in individuals affected with COL7A1-related conditions. Advanced modeling of protein sequence and biophysical properties (such as structural, functional, and spatial information, amino acid conservation, physicochemical variation, residue mobility, and thermodynamic stability) performed at Invitae indicates that this missense variant is not expected to disrupt COL7A1 protein function. In summary, the available evidence is currently insufficient to determine the role of this variant in disease. Therefore, it has been classified as a Variant of Uncertain Significance.

Natera, Inc.
Classification: Uncertain significance for Dystrophic epidermolysis bullosa. Last evaluated: 2025-01-23. Review status: no assertion criteria provided. Collection method: clinical testing. Allele origin: germline. Not counted in ClinVar's aggregate classification.